The following is an entry in ClinVar:

ClinVar aggregate classification (germline): Uncertain significance (1 of 4 stars; one submission).

Conditions:
Hereditary cancer-predisposing syndrome. Also called: Hereditary neoplastic syndrome; Neoplastic Syndromes, Hereditary; Tumor predisposition; Hereditary Cancer Syndrome. Identifiers: Orphanet 140162, MedGen C0027672, MeSH D009386, MONDO:0015356.

Submission:

Ambry Genetics
Classification: Uncertain significance for Hereditary cancer-predisposing syndrome. Last evaluated: 2022-08-16. Review status: criteria provided, single submitter. Criteria: Ambry Variant Classification Scheme 2023. Collection method: clinical testing. Allele origin: germline.
Comment: The p.S2174R variant (also known as c.6522C>G), located in coding exon 44 of the ATM gene, results from a C to G substitution at nucleotide position 6522. The serine at codon 2174 is replaced by arginine, an amino acid with dissimilar properties. This amino acid position is not well conserved in available vertebrate species. In addition, this alteration is predicted to be tolerated by in silico analysis. Since supporting evidence is limited at this time, the clinical significance of this alteration remains unclear.

NM_000051.4(ATM):c.6522C>G (p.Ser2174Arg)

Genes: ATM (ATM serine/threonine kinase; plus strand), C11orf65 (chromosome 11 open reading frame 65; minus strand). Cytogenetic location: 11q22.3.
Variant type: single nucleotide variant.
Coding change: c.6522C>G on transcript NM_000051.4 (MANE Select); coding-DNA position 6522, C replaced by G.
Protein change: p.Ser2174Arg; replaces serine 2174 with arginine.
Molecular consequence: missense variant. On other transcripts: intron variant (2).
Genome position (GRCh38, 1-based): chr11:108,321,370, C>G. VCF-style: chr11-108321370-C-G. GRCh37 (hg19) VCF-style: chr11-108192097-C-G.
Other names: c.6522C>G, p.Ser2174Arg (NM_001351834.2); c.641-12299G>C (NM_001330368.2); c.*39-12299G>C (NM_001351110.2); short protein forms S2174R.
Identifiers: ClinVar variation 1754037 (VCV001754037.2), dbSNP rs772850740, ClinGen allele CA382554182.
Genomic context (GRCh38, chr11:108,321,370, plus strand): 5'-AGTGGAAGAGATGTGTAAGCGCAGCCTTGAGTCTGTGTATTCGCTCTATCCCACACTTAG[C>G]AGGTTGCAGGCCATTGGAGAGCTGGAAAGCATTGGGGAGCTTTTCTCAAGGTATGTAATT-3'
Protein context (NP_000042.3, residues 2164-2184): ESVYSLYPTL[Ser2174Arg]RLQAIGELES